The following is an entry in ClinVar:

NM_000179.3(MSH6):c.631G>T (p.Gly211Cys)

Gene: MSH6 (mutS homolog 6; plus strand). Cytogenetic location: 2p16.3.
Variant type: single nucleotide variant.
Coding change: c.631G>T on transcript NM_000179.3 (MANE Select); coding-DNA position 631, G replaced by T.
Protein change: p.Gly211Cys; replaces glycine 211 with cysteine.
Molecular consequence: missense variant. On other transcripts: 5 prime UTR variant (8), non-coding transcript variant (4), intron variant (1), splice acceptor variant (1).
Genome position (GRCh38, 1-based): chr2:47,798,614, G>T. VCF-style: chr2-47798614-G-T. GRCh37 (hg19) VCF-style: chr2-48025753-G-T.
Other names: c.241G>T, p.Gly81Cys (NM_001281492.2); c.-276G>T (NM_001281493.2, NM_001406811.1, NM_001406812.1 and 5 more transcripts); c.727G>T, p.Gly243Cys (NM_001406795.1, NM_001406802.1); c.631G>T, p.Gly211Cys (NM_001406796.1, NM_001406798.1, NM_001406800.1 and 4 more transcripts); c.334G>T, p.Gly112Cys (NM_001406797.1, NM_001406801.1, NM_001406805.1 and 10 more transcripts); c.106G>T, p.Gly36Cys (NM_001406799.1, NM_001406806.1, NM_001406807.1); c.553G>T, p.Gly185Cys (NM_001406804.1); c.637G>T, p.Gly213Cys (NM_001406813.1); and 3 more; short protein forms G243C, G36C, G155C, G213C, G185C, G211C, G81C, G112C.
Identifiers: ClinVar variation 1752845 (VCV001752845.3), dbSNP rs786204153, ClinGen allele CA346739214.

ClinVar aggregate classification (germline): Uncertain significance (1 of 4 stars; one submission).

Conditions:
Hereditary cancer-predisposing syndrome. Also called: Neoplastic Syndromes, Hereditary; Tumor predisposition; Hereditary Cancer Syndrome; Hereditary neoplastic syndrome. Identifiers: Orphanet 140162, MedGen C0027672, MeSH D009386, MONDO:0015356.

Submission:

Ambry Genetics
Classification: Uncertain significance for Hereditary cancer-predisposing syndrome. Last evaluated: 2025-02-14. Review status: criteria provided, single submitter. Criteria: Ambry Variant Classification Scheme 2023. Collection method: clinical testing. Allele origin: germline.
Comment: The p.G211C variant (also known as c.631G>T), located in coding exon 4 of the MSH6 gene, results from a G to T substitution at nucleotide position 631. The glycine at codon 211 is replaced by cysteine, an amino acid with highly dissimilar properties. This amino acid position is poorly conserved in available vertebrate species. In addition, this alteration is predicted to be tolerated by in silico analysis. In addition, the CoDP in silico tool predicts this alteration to have a minor impact on molecular function, with a score of 0.000 (Terui H et al. J. Biomed. Sci. 2013 Apr;20:25). Since supporting evidence is limited at this time, the clinical significance of this alteration remains unclear.